The following is an entry in ClinVar:

ClinVar aggregate classification (germline): Uncertain significance. Review status: criteria provided, multiple submitters, no conflicts (2 of 4 stars). 3 submissions from 3 submitters: Uncertain significance (3). Last evaluated 2025-03-10.

Conditions:
NF1-related disorder. Also called: NF1-related condition. Identifiers: MedGen CN379171.
Cardiovascular phenotype. Identifiers: MedGen CN230736.
Hereditary cancer-predisposing syndrome. Also called: Tumor predisposition; Hereditary Cancer Syndrome; Neoplastic Syndromes, Hereditary; Hereditary neoplastic syndrome. Identifiers: Orphanet 140162, MedGen C0027672, MeSH D009386, MONDO:0015356.
Neurofibromatosis, type 1 (NF1). Also called: NEUROFIBROMATOSIS, TYPE I, SOMATIC; Neurofibromatosis, type I; Peripheral type neurofibromatosis; VON RECKLINGHAUSEN DISEASE. Identifiers: Orphanet 636, MedGen C0027831, MONDO:0018975, OMIM 162200. Disease mechanism: loss of function.

Allele frequency attached by ClinVar (database versions not stated): gnomAD exomes below 0.00001.
gnomAD v4.1: 1 of 1,613,478 alleles (0.000062%); highest among the groups gnomAD compares: Non-Finnish European, 0.000085%; no homozygotes.

Submissions (3):

Ambry Genetics
Classification: Uncertain significance for Cardiovascular phenotype; Hereditary cancer-predisposing syndrome. Last evaluated: 2025-03-10. Review status: criteria provided, single submitter. Criteria: Ambry Variant Classification Scheme 2023. Collection method: clinical testing. Allele origin: germline.
Comment: The p.E544K variant (also known as c.1630G>A), located in coding exon 14 of the NF1 gene, results from a G to A substitution at nucleotide position 1630. The glutamic acid at codon 544 is replaced by lysine, an amino acid with similar properties. This amino acid position is conserved. In addition, the in silico prediction for this alteration is inconclusive. Based on the available evidence, the clinical significance of this variant remains unclear.

PreventionGenetics, part of Exact Sciences
Classification: Uncertain significance for NF1-related condition. Last evaluated: 2023-09-11. Review status: criteria provided, single submitter. Criteria: ACMG Guidelines, 2015. Collection method: clinical testing. Allele origin: germline.
Comment: The NF1 c.1630G>A variant is predicted to result in the amino acid substitution p.Glu544Lys. To our knowledge, this variant has not been reported in the literature or in a large population database, indicating this variant is rare. At this time, the clinical significance of this variant is uncertain due to the absence of conclusive functional and genetic evidence.

Labcorp Genetics (formerly Invitae), Labcorp
Classification: Uncertain significance for Neurofibromatosis, type 1. Last evaluated: 2022-03-13. Review status: criteria provided, single submitter. Criteria: Invitae Variant Classification Sherloc (09022015). Collection method: clinical testing. Allele origin: germline.
Comment: This sequence change replaces glutamic acid, which is acidic and polar, with lysine, which is basic and polar, at codon 544 of the NF1 protein (p.Glu544Lys). This variant is not present in population databases (gnomAD no frequency). This variant has not been reported in the literature in individuals affected with NF1-related conditions. Algorithms developed to predict the effect of missense changes on protein structure and function are either unavailable or do not agree on the potential impact of this missense change (SIFT: "Tolerated"; PolyPhen-2: "Probably Damaging"; Align-GVGD: "Class C0"). In summary, the available evidence is currently insufficient to determine the role of this variant in disease. Therefore, it has been classified as a Variant of Uncertain Significance.

NM_001042492.3(NF1):c.1630G>A (p.Glu544Lys)

Gene: NF1 (neurofibromin 1; plus strand). Cytogenetic location: 17q11.2.
Variant type: single nucleotide variant.
Coding change: c.1630G>A on transcript NM_001042492.3 (MANE Select); coding-DNA position 1630, G replaced by A.
Protein change: p.Glu544Lys; replaces glutamic acid 544 with lysine.
Molecular consequence: missense variant.
Genome position (GRCh38, 1-based): chr17:31,219,107, G>A. VCF-style: chr17-31219107-G-A. GRCh37 (hg19) VCF-style: chr17-29546125-G-A.
Other names: c.1630G>A, p.Glu544Lys (NM_000267.4, NM_001128147.3); short protein forms E544K.
Identifiers: ClinVar variation 2111070 (VCV002111070.6), dbSNP rs2544840961, ClinGen allele CA399002121.